The following is an entry in ClinVar:

NM_000548.5(TSC2):c.3190A>G (p.Asn1064Asp)

Gene: TSC2 (TSC complex subunit 2; plus strand). Cytogenetic location: 16p13.3.
Variant type: single nucleotide variant.
Coding change: c.3190A>G on transcript NM_000548.5 (MANE Select); coding-DNA position 3190, A replaced by G.
Protein change: p.Asn1064Asp; replaces asparagine 1064 with aspartic acid.
Molecular consequence: missense variant.
Genome position (GRCh38, 1-based): chr16:2,079,334, A>G. VCF-style: chr16-2079334-A-G. GRCh37 (hg19) VCF-style: chr16-2129335-A-G.
Other names: c.3061A>G, p.Asn1021Asp (NM_001363528.2, NM_001370405.1, NM_021055.3); c.3058A>G, p.Asn1020Asp (NM_001370404.1, NM_001077183.3); c.3190A>G, p.Asn1064Asp (NM_001114382.3); c.2950A>G, p.Asn984Asp (NM_001318827.2); c.2914A>G, p.Asn972Asp (NM_001318829.2); c.2458A>G, p.Asn820Asp (NM_001318831.2); c.3091A>G, p.Asn1031Asp (NM_001318832.2); short protein forms N1020D, N1031D, N984D, N972D, N1021D, N1064D, N820D.
Identifiers: ClinVar variation 1405846 (VCV001405846.8), dbSNP rs2151438419, ClinGen allele CA394285601.

ClinVar aggregate classification (germline): Uncertain significance (1 of 4 stars; one submission).

Conditions:
Tuberous sclerosis 2 (TSC2). Identifiers: Orphanet 805, MedGen C1860707, MONDO:0013199, OMIM 613254.

Submission:

Labcorp Genetics (formerly Invitae), Labcorp
Classification: Uncertain significance for Tuberous sclerosis 2. Last evaluated: 2021-04-09. Review status: criteria provided, single submitter. Criteria: Invitae Variant Classification Sherloc (09022015). Collection method: clinical testing. Allele origin: germline.
Comment: In summary, the available evidence is currently insufficient to determine the role of this variant in disease. Therefore, it has been classified as a Variant of Uncertain Significance. Advanced modeling of protein sequence and biophysical properties (such as structural, functional, and spatial information, amino acid conservation, physicochemical variation, residue mobility, and thermodynamic stability) performed at Invitae indicates that this missense variant is not expected to disrupt TSC2 protein function. This variant has not been reported in the literature in individuals with TSC2-related conditions. This variant is not present in population databases (ExAC no frequency). This sequence change replaces asparagine with aspartic acid at codon 1064 of the TSC2 protein (p.Asn1064Asp). The asparagine residue is highly conserved and there is a small physicochemical difference between asparagine and aspartic acid.